The following is an entry in ClinVar:

NM_015338.6(ASXL1):c.344A>C (p.Glu115Ala)

Gene: ASXL1 (ASXL transcriptional regulator 1; plus strand). Cytogenetic location: 20q11.21.
Variant type: single nucleotide variant.
Coding change: c.344A>C on transcript NM_015338.6 (MANE Select); coding-DNA position 344, A replaced by C.
Protein change: p.Glu115Ala; replaces glutamic acid 115 with alanine.
Molecular consequence: missense variant.
Genome position (GRCh38, 1-based): chr20:32,428,219, A>C. VCF-style: chr20-32428219-A-C. GRCh37 (hg19) VCF-style: chr20-31016022-A-C.
Other names: c.314A>C, p.Glu105Ala (NM_001363734.1); short protein forms E105A, E115A.
Identifiers: ClinVar variation 3956212 (VCV003956212.1).

ClinVar aggregate classification (germline): Uncertain significance (1 of 4 stars; one submission).

Conditions:
Inborn genetic diseases. Identifiers: MedGen C0950123, MeSH D030342.

Submission:

Ambry Genetics
Classification: Uncertain significance for Inborn genetic diseases. Last evaluated: 2025-04-18. Review status: criteria provided, single submitter. Criteria: Ambry Variant Classification Scheme 2023. Collection method: clinical testing. Allele origin: germline.
Comment: The p.E115A variant (also known as c.344A>C), located in coding exon 5 of the ASXL1 gene, results from an A to C substitution at nucleotide position 344. The glutamic acid at codon 115 is replaced by alanine, an amino acid with dissimilar properties. This amino acid position is conserved. In addition, this alteration is predicted to be tolerated by in silico analysis. Based on the available evidence, the clinical significance of this variant remains unclear.